The following is an entry in ClinVar:

ClinVar aggregate classification (germline): Uncertain significance (1 of 4 stars; one submission).

Allele frequency attached by ClinVar (database versions not stated): gnomAD 0.00001; TOPMed 0.00002; ExAC 0.00003; gnomAD exomes 0.00003.
gnomAD v4.1: 10 of 1,613,142 alleles (0.00062%); highest among the groups gnomAD compares: Admixed American, 0.012%; no homozygotes.

Submission:

Labcorp Genetics (formerly Invitae), Labcorp
Classification: Uncertain significance. Last evaluated: 2024-04-05. Review status: criteria provided, single submitter. Criteria: Invitae Variant Classification Sherloc (09022015). Collection method: clinical testing. Allele origin: germline.
Comment: This sequence change replaces proline, which is neutral and non-polar, with threonine, which is neutral and polar, at codon 43 of the HNF1A protein (p.Pro43Thr). This variant is present in population databases (rs749730441, gnomAD 0.01%). This variant has not been reported in the literature in individuals affected with HNF1A-related conditions. ClinVar contains an entry for this variant (Variation ID: 1445252). Advanced modeling of protein sequence and biophysical properties (such as structural, functional, and spatial information, amino acid conservation, physicochemical variation, residue mobility, and thermodynamic stability) performed at Invitae indicates that this missense variant is not expected to disrupt HNF1A protein function with a negative predictive value of 80%. In summary, the available evidence is currently insufficient to determine the role of this variant in disease. Therefore, it has been classified as a Variant of Uncertain Significance.

NM_000545.8(HNF1A):c.127C>A (p.Pro43Thr)

Gene: HNF1A (HNF1 homeobox A; plus strand). Cytogenetic location: 12q24.31.
Variant type: single nucleotide variant.
Coding change: c.127C>A on transcript NM_000545.8 (MANE Select); coding-DNA position 127, C replaced by A.
Protein change: p.Pro43Thr; replaces proline 43 with threonine.
Molecular consequence: missense variant.
Genome position (GRCh38, 1-based): chr12:120,978,895, C>A. VCF-style: chr12-120978895-C-A. GRCh37 (hg19) VCF-style: chr12-121416698-C-A.
Other names: c.127C>A, p.Pro43Thr (NM_001306179.2); short protein forms P43T.
Identifiers: ClinVar variation 1445252 (VCV001445252.8), dbSNP rs749730441, ClinGen allele CA6831666.